The following is an entry in ClinVar:

ClinVar aggregate classification (germline): Uncertain significance (1 of 4 stars; one submission).

gnomAD v4.1: 3 of 1,613,818 alleles (0.00019%); highest among the groups gnomAD compares: Non-Finnish European, 0.00025%; no homozygotes.

Submission:

GeneDx
Classification: Uncertain significance. Last evaluated: 2026-02-19. Review status: criteria provided, single submitter. Criteria: GeneDx Variant Classification Process June 2021. Collection method: clinical testing. Allele origin: germline.
Comment: Not observed at significant frequency in large population cohorts (gnomAD); In silico analysis supports that this missense variant has a deleterious effect on protein structure/function; Has not been previously published as pathogenic or benign to our knowledge

NM_001270.4(CHD1):c.2828C>G (p.Thr943Ser)

Gene: CHD1 (chromodomain helicase DNA binding protein 1; minus strand). Cytogenetic location: 5q15.
Variant type: single nucleotide variant.
Coding change: c.2828C>G on transcript NM_001270.4 (MANE Select); coding-DNA position 2828, C replaced by G.
Protein change: p.Thr943Ser; replaces threonine 943 with serine.
Molecular consequence: missense variant. On other transcripts: non-coding transcript variant (2).
Genome position (GRCh38, 1-based): chr5:98,882,014, G>C on the plus strand (C>G on the coding strand, the complement: CHD1 is on the minus strand). VCF-style: chr5-98882014-G-C. GRCh37 (hg19) VCF-style: chr5-98217718-G-C.
Other names: c.2828C>G, p.Thr943Ser (NM_001364113.3, NM_001376194.2); short protein forms T943S.
Identifiers: ClinVar variation 5009705 (VCV005009705.1).
Genomic context (GRCh38, chr5:98,882,014, plus strand): 5'-TTTTAATAATCAAGTAACCACCTTGATGGGGCAGAACCTGTATGTAGTACTGTCTTCCCA[G>C]TTGTGTCCATTCTTTGAATTACAAGATGATCTAAAACCATCTTCTTTTTCGCCCTTTCAA-3'
Protein context (NP_001261.2, residues 933-953): DHLVIQRMDT[Thr943Ser]GKTVLHTGSA